The following is an entry in ClinVar:

NM_005687.5(FARSB):c.1327A>G (p.Lys443Glu)

Gene: FARSB (phenylalanyl-tRNA synthetase subunit beta; minus strand). Cytogenetic location: 2q36.1.
Variant type: single nucleotide variant.
Coding change: c.1327A>G on transcript NM_005687.5 (MANE Select); coding-DNA position 1327, A replaced by G.
Protein change: p.Lys443Glu; replaces lysine 443 with glutamic acid.
Molecular consequence: missense variant. On other transcripts: non-coding transcript variant (1).
Genome position (GRCh38, 1-based): chr2:222,619,662, T>C on the plus strand (A>G on the coding strand, the complement: FARSB is on the minus strand). VCF-style: chr2-222619662-T-C. GRCh37 (hg19) VCF-style: chr2-223484381-T-C.
Other names: short protein forms K443E.
Identifiers: ClinVar variation 2578896 (VCV002578896.25), dbSNP rs780363840, ClinGen allele CA2136386.

ClinVar aggregate classification (germline): Uncertain significance (1 of 4 stars; one submission).

Allele frequency attached by ClinVar (database versions not stated): TOPMed below 0.00001.
gnomAD v4.1: 1 of 1,589,504 alleles (0.000063%); highest among the groups gnomAD compares: Admixed American, 0.0017%; no homozygotes.

Submission:

CeGaT Center for Human Genetics Tuebingen
Classification: Uncertain significance. Last evaluated: 2025-02-01. Review status: criteria provided, single submitter. Criteria: CeGaT Center For Human Genetics Tuebingen Variant Classification Criteria Version 2. Collection method: clinical testing. Allele origin: germline. Affected: yes. Observed: 1 variant allele.
Comment: FARSB: PM2, PP3